The following is an entry in ClinVar:

ClinVar aggregate classification (germline): Uncertain significance (1 of 4 stars; one submission).

Submission:

Labcorp Genetics (formerly Invitae), Labcorp
Classification: Uncertain significance. Last evaluated: 2025-11-10. Review status: criteria provided, single submitter. Criteria: Invitae Variant Classification Sherloc (09022015). Collection method: clinical testing. Allele origin: germline.
Comment: This sequence change replaces glycine, which is neutral and non-polar, with leucine, which is neutral and non-polar, at codon 1885 of the SZT2 protein (p.Gly1885Leu). Information on the frequency of this variant in the gnomAD database is not available, as this variant may be reported differently in the database. This variant has not been reported in the literature in individuals affected with SZT2-related conditions. ClinVar contains an entry for this variant (Variation ID: 938933). An algorithm developed to predict the effect of missense changes on protein structure and function (PolyPhen-2) suggests that this variant is likely to be tolerated. In summary, the available evidence is currently insufficient to determine the role of this variant in disease. Therefore, it has been classified as a Variant of Uncertain Significance.

NM_001365999.1(SZT2):c.5824_5825delinsTT (p.Gly1942Leu)

Gene: SZT2 (SZT2 subunit of KICSTOR complex; plus strand). Cytogenetic location: 1p34.2.
Variant type: Indel.
Coding change: c.5824_5825delinsTT on transcript NM_001365999.1 (MANE Select); coding-DNA positions 5824 to 5825, GG replaced by TT.
Protein change: p.Gly1942Leu; replaces glycine 1942 with leucine.
Molecular consequence: missense variant.
Genome position (GRCh38, 1-based): chr1:43,434,405-43,434,406, GG replaced by TT. VCF-style: chr1-43434405-GG-TT. GRCh37 (hg19) VCF-style: chr1-43900076-GG-TT.
Other names: c.5653_5654delinsTT, p.Gly1885Leu (NM_015284.4); short protein forms G1942L, G1885L.
Identifiers: ClinVar variation 938933 (VCV000938933.9), dbSNP rs1654246995, ClinGen allele CA1139656094.
Genomic context (GRCh38, chr1:43,434,405, plus strand): 5'-CTCCCCACTGCAGTTCTGGTCAGATTATCCTTCCTTCCCAGGAGCCTGATTCGGGAGGAT[GG>TT]GGGGCCGGGCACTGAGTGTCGCCACCTGCAGCAGCTCCTGGTGAGGCGAGTTGGGGAGAT-3'
Protein context (NP_001352928.1, residues 1932-1952): AHARSLIRED[Gly1942Leu]GPGTECRHLQ